The following is an entry in ClinVar:

ClinVar aggregate classification (germline): Uncertain significance. Review status: criteria provided, multiple submitters, no conflicts (2 of 4 stars). 5 submissions from 5 submitters: Uncertain significance (5). Last evaluated 2026-01-27.

Conditions:
Hereditary cancer-predisposing syndrome. Also called: Hereditary neoplastic syndrome; Neoplastic Syndromes, Hereditary; Tumor predisposition; Hereditary Cancer Syndrome. Identifiers: Orphanet 140162, MedGen C0027672, MeSH D009386, MONDO:0015356.
Colorectal cancer. Also called: Colorectal cancer, somatic; Malignant Colorectal Neoplasm. Identifiers: MedGen C0346629, MONDO:0005575, OMIM 114500.
Oligodontia-cancer predisposition syndrome. Also called: TOOTH AGENESIS-COLORECTAL CANCER SYNDROME. Identifiers: Orphanet 300576, MedGen C1837750, MONDO:0012075, OMIM 608615. Disease mechanism: loss of function.

Allele frequency attached by ClinVar (database versions not stated): gnomAD 0.00001; gnomAD exomes 0.00001; TOPMed 0.00009.
gnomAD v4.1: 8 of 1,613,372 alleles (0.0005%); highest among the groups gnomAD compares: Admixed American, 0.01%; no homozygotes.

Submissions (5):

Labcorp Genetics (formerly Invitae), Labcorp
Classification: Uncertain significance for Oligodontia-cancer predisposition syndrome. Last evaluated: 2026-01-27. Review status: criteria provided, single submitter. Criteria: Invitae Variant Classification Sherloc (09022015). Collection method: clinical testing. Allele origin: germline.
Comment: This sequence change affects an acceptor splice site in intron 7 of the AXIN2 gene. RNA analysis indicates that disruption of this splice site induces altered splicing and likely results in the loss of 3 amino acid residue(s), but is expected to preserve the integrity of the reading-frame. This variant is present in population databases (no rsID available, gnomAD 0.009%). Disruption of this splice site has been observed in individual(s) with breast or ovarian cancer (PMID: 30322717, 34196900). ClinVar contains an entry for this variant (Variation ID: 533167). Studies have shown that disruption of this splice site results in the activation of a cryptic splice site in exon 8 (internal data). In summary, the available evidence is currently insufficient to determine the role of this variant in disease. Therefore, it has been classified as a Variant of Uncertain Significance.

Ambry Genetics
Classification: Uncertain significance for Hereditary cancer-predisposing syndrome. Last evaluated: 2025-03-29. Review status: criteria provided, single submitter. Criteria: Ambry Variant Classification Scheme 2023. Collection method: clinical testing. Allele origin: germline.
Comment: The c.1908-2A>G intronic variant results from an A to G substitution two nucleotides upstream from coding exon 7 in the AXIN2 gene. Alterations that disrupt the canonical splice site are expected to result in aberrant splicing. In silico splice site analysis predicts that this alteration will weaken the native splice acceptor site and will result in the creation or strengthening of a novel splice acceptor site. RNA studies have demonstrated that this alteration results in a transcript predicted to lead to a protein with an in-frame deletion of 3 amino acids; however, the exact functional impact of the deleted amino acids are unknown at this time (Ambry internal data). Another alteration impacting the same acceptor site (c.1908-1G>A) has been shown to have a similar impact on splicing. This nucleotide position is highly conserved in available vertebrate species. Since supporting evidence is limited at this time, the clinical significance of this alteration remains unclear.

Quest Diagnostics Nichols Institute San Juan Capistrano
Classification: Uncertain significance. Last evaluated: 2025-03-26. Review status: criteria provided, single submitter. Criteria: Quest Diagnostics criteria. Collection method: clinical testing. Allele origin: unknown.
Comment: The AXIN2 c.1908-2A>G variant disrupts a canonical splice-acceptor site and is predicted to interfere with normal AXIN2 mRNA splicing. The disruption of the splice site is predicted to result in exon 8 (also known as exon 7) skipping and results in an in-frame deletion of exon 8. This variant has been reported to result in aberrant splicing (Ambry Genetics, personal communication regarding ClinVar ID 533167). However, further studies are required to determine the effect of aberrant splicing on AXIN2 protein function. In the published literature, this variant has been reported in individuals with breast cancer (PMID: 34196900 (2021)) and ovarian cancer (PMID: 30322717 (2018)). The frequency of this variant in the general population (Genome Aggregation Database) is uninformative in the assessment of its pathogenicity. Based on the available information, we are unable to determine the clinical significance of this variant.

GeneDx
Classification: Uncertain significance. Last evaluated: 2024-04-30. Review status: criteria provided, single submitter. Criteria: GeneDx Variant Classification Process June 2021. Collection method: clinical testing. Allele origin: germline. Affected: yes.
Comment: Canonical splice site variant in a gene or region of a gene for which loss of function is not an established mechanism of disease; Not observed at significant frequency in large population cohorts (gnomAD); This variant is associated with the following publications: (PMID: 15735151, 30322717, 34196900)

Baylor Genetics
Classification: Uncertain significance for Colorectal cancer. Last evaluated: 2024-03-22. Review status: criteria provided, single submitter. Criteria: ACMG Guidelines, 2015. Collection method: clinical testing. Allele origin: unknown.

Literature cited by the submitters: PubMed 30322717 (cited by Labcorp Genetics (formerly Invitae), Labcorp and Quest Diagnostics Nichols Institute San Juan Capistrano); PubMed 34196900 (cited by Labcorp Genetics (formerly Invitae), Labcorp and Quest Diagnostics Nichols Institute San Juan Capistrano).

NM_004655.4(AXIN2):c.1908-2A>G

Gene: AXIN2 (axin 2; minus strand). Cytogenetic location: 17q24.1.
Variant type: single nucleotide variant.
Coding change: c.1908-2A>G on transcript NM_004655.4 (MANE Select); the canonical splice acceptor site of the intron before coding-DNA position 1908, A replaced by G.
Molecular consequence: splice acceptor variant.
Genome position (GRCh38, 1-based): chr17:65,536,555, T>C on the plus strand (A>G on the coding strand, the complement: AXIN2 is on the minus strand). VCF-style: chr17-65536555-T-C. GRCh37 (hg19) VCF-style: chr17-63532673-T-C.
Other names: c.1713-2A>G (NM_001363813.1).
Identifiers: ClinVar variation 533167 (VCV000533167.21), dbSNP rs978837790, ClinGen allele CA293097853.